The following is an entry in ClinVar:

NM_004525.3(LRP2):c.12111G>A (p.Thr4037=)

Gene: LRP2 (LDL receptor related protein 2; minus strand). Cytogenetic location: 2q31.1.
Variant type: single nucleotide variant.
Coding change: c.12111G>A on transcript NM_004525.3 (MANE Select); coding-DNA position 12111, G replaced by A.
Protein change: p.Thr4037=; no amino-acid change (threonine 4037 retained).
Molecular consequence: synonymous variant.
Genome position (GRCh38, 1-based): chr2:169,156,314, C>T on the plus strand (G>A on the coding strand, the complement: LRP2 is on the minus strand). VCF-style: chr2-169156314-C-T. GRCh37 (hg19) VCF-style: chr2-170012824-C-T.
Identifiers: ClinVar variation 2651521 (VCV002651521.27), dbSNP rs745582154, ClinGen allele CA1952881.

ClinVar aggregate classification (germline): Likely benign. Review status: criteria provided, multiple submitters, no conflicts (2 of 4 stars). 2 submissions from 2 submitters: Likely benign (2). Last evaluated 2026-01-13.

Allele frequency attached by ClinVar (database versions not stated): TOPMed below 0.00001; gnomAD 0.00001.
gnomAD v4.1: 20 of 1,613,618 alleles (0.0012%); highest among the groups gnomAD compares: Non-Finnish European, 0.0016%; no homozygotes.

Submissions (2):

Labcorp Genetics (formerly Invitae), Labcorp
Classification: Likely benign. Last evaluated: 2026-01-13. Review status: criteria provided, single submitter. Criteria: Invitae Variant Classification Sherloc (09022015). Collection method: clinical testing. Allele origin: germline.

CeGaT Center for Human Genetics Tuebingen
Classification: Likely benign. Last evaluated: 2023-09-01. Review status: criteria provided, single submitter. Criteria: CeGaT Center For Human Genetics Tuebingen Variant Classification Criteria Version 2. Collection method: clinical testing. Allele origin: germline. Affected: yes. Observed: 1 variant allele.
Comment: LRP2: BP4, BP7